The following is an entry in ClinVar:

NM_000222.3(KIT):c.2840A>C (p.Gln947Pro)

Gene: KIT (KIT proto-oncogene, receptor tyrosine kinase; plus strand). Cytogenetic location: 4q12.
Variant type: single nucleotide variant.
Coding change: c.2840A>C on transcript NM_000222.3 (MANE Select); coding-DNA position 2840, A replaced by C.
Protein change: p.Gln947Pro; replaces glutamine 947 with proline.
Molecular consequence: missense variant.
Genome position (GRCh38, 1-based): chr4:54,738,466, A>C. VCF-style: chr4-54738466-A-C. GRCh37 (hg19) VCF-style: chr4-55604632-A-C.
Other names: c.2828A>C, p.Gln943Pro (NM_001093772.2, NM_001385292.1); c.2843A>C, p.Gln948Pro (NM_001385284.1); c.2837A>C, p.Gln946Pro (NM_001385285.1); c.2825A>C, p.Gln942Pro (NM_001385286.1); c.2831A>C, p.Gln944Pro (NM_001385288.1); c.2840A>C, p.Gln947Pro (NM_001385290.1); short protein forms Q946P, Q947P, Q942P, Q943P, Q944P, Q948P.
Identifiers: ClinVar variation 2722556 (VCV002722556.3), dbSNP rs2109818551, ClinGen allele CA356915982.
Genomic context (GRCh38, chr4:54,738,466, plus strand): 5'-GACTATGGGCTTGTTTTCTCCAGATTTACTCCAACTTAGCAAACTGCAGCCCCAACCGAC[A>C]GAAGCCCGTGGTAGACCATTCTGTGCGGATCAATTCTGTCGGCAGCACCGCTTCCTCCTC-3'
Protein context (NP_000213.1, residues 937-957): SNLANCSPNR[Gln947Pro]KPVVDHSVRI

ClinVar aggregate classification (germline): Uncertain significance (1 of 4 stars; one submission).

Conditions:
Gastrointestinal stromal tumor. Also called: Gastrointestinal stromal tumor, somatic; Gastrointestinal stroma tumor. Identifiers: Orphanet 44890, MedGen C0238198, MeSH D046152, MONDO:0011719, OMIM 606764, HP:0100723.

Submission:

Labcorp Genetics (formerly Invitae), Labcorp
Classification: Uncertain significance for Gastrointestinal stromal tumor. Last evaluated: 2024-07-17. Review status: criteria provided, single submitter. Criteria: Invitae Variant Classification Sherloc (09022015). Collection method: clinical testing. Allele origin: germline.
Comment: This sequence change replaces glutamine, which is neutral and polar, with proline, which is neutral and non-polar, at codon 947 of the KIT protein (p.Gln947Pro). This variant is not present in population databases (gnomAD no frequency). This variant has not been reported in the literature in individuals affected with KIT-related conditions. An algorithm developed to predict the effect of missense changes on protein structure and function (PolyPhen-2) suggests that this variant is likely to be tolerated. In summary, the available evidence is currently insufficient to determine the role of this variant in disease. Therefore, it has been classified as a Variant of Uncertain Significance.